The following is an entry in ClinVar:

NM_006258.4(PRKG1):c.935+181C>T

Gene: PRKG1 (protein kinase cGMP-dependent 1; plus strand). Cytogenetic location: 10q21.1.
Variant type: single nucleotide variant.
Coding change: c.935+181C>T on transcript NM_006258.4 (MANE Select); 181 bases into the intron after coding-DNA position 935, C replaced by T.
Molecular consequence: intron variant. On other transcripts: 3 prime UTR variant (1).
Genome position (GRCh38, 1-based): chr10:52,062,812, C>T. VCF-style: chr10-52062812-C-T. GRCh37 (hg19) VCF-style: chr10-53822572-C-T.
Other names: c.*177C>T (NM_001374782.1); c.890+181C>T (NM_001098512.3); c.-275+181C>T (NM_001374781.1).
Identifiers: ClinVar variation 4281050 (VCV004281050.7).

ClinVar aggregate classification (germline): Likely benign (1 of 4 stars; one submission).

gnomAD v4.1: 40 of 722,706 alleles (0.0055%); highest among the groups gnomAD compares: Admixed American, 0.032%; no homozygotes.

Submission:

CeGaT Center for Human Genetics Tuebingen
Classification: Likely benign. Last evaluated: 2025-09-01. Review status: criteria provided, single submitter. Criteria: CeGaT Center For Human Genetics Tuebingen Variant Classification Criteria Version 2. Collection method: clinical testing. Allele origin: germline. Affected: yes. Observed: 1 variant allele.
Comment: PRKG1: BP4, BP7